The following is an entry in ClinVar:

NM_000102.4(CYP17A1):c.917C>A (p.Thr306Asn)

Genes: CYP17A1 (cytochrome P450 family 17 subfamily A member 1; minus strand), CYP17A1-AS1 (CYP17A1 antisense RNA 1; plus strand). Cytogenetic location: 10q24.32.
Variant type: single nucleotide variant.
Coding change: c.917C>A on transcript NM_000102.4 (MANE Select); coding-DNA position 917, C replaced by A.
Protein change: p.Thr306Asn; replaces threonine 306 with asparagine.
Molecular consequence: missense variant.
Genome position (GRCh38, 1-based): chr10:102,833,045, G>T on the plus strand (C>A on the coding strand, the complement: CYP17A1 is on the minus strand). VCF-style: chr10-102833045-G-T. GRCh37 (hg19) VCF-style: chr10-104592802-G-T.
Other names: short protein forms T306N.
Identifiers: ClinVar variation 2764363 (VCV002764363.3), dbSNP rs2493238715, ClinGen allele CA377939135.

ClinVar aggregate classification (germline): Likely pathogenic (1 of 4 stars; one submission).

Allele frequency attached by ClinVar (database versions not stated): gnomAD exomes below 0.00001.

Submission:

Labcorp Genetics (formerly Invitae), Labcorp
Classification: Likely pathogenic. Last evaluated: 2023-09-29. Review status: criteria provided, single submitter. Criteria: Invitae Variant Classification Sherloc (09022015). Collection method: clinical testing. Allele origin: germline.
Comment: This variant is not present in population databases (gnomAD no frequency). This sequence change replaces threonine, which is neutral and polar, with asparagine, which is neutral and polar, at codon 306 of the CYP17A1 protein (p.Thr306Asn). This variant has not been reported in the literature in individuals affected with CYP17A1-related conditions. In summary, the currently available evidence indicates that the variant is pathogenic, but additional data are needed to prove that conclusively. Therefore, this variant has been classified as Likely Pathogenic. This variant disrupts the p.Thr306 amino acid residue in CYP17A1. Other variant(s) that disrupt this residue have been determined to be pathogenic (PMID: 9480917, 26345865). This suggests that this residue is clinically significant, and that variants that disrupt this residue are likely to be disease-causing. Advanced modeling of protein sequence and biophysical properties (such as structural, functional, and spatial information, amino acid conservation, physicochemical variation, residue mobility, and thermodynamic stability) performed at Invitae indicates that this missense variant is expected to disrupt CYP17A1 protein function.

Literature cited by the submitters: PubMed 9480917; PubMed 26345865.